The following is an entry in ClinVar:

ClinVar aggregate classification (germline): Uncertain significance (1 of 4 stars; one submission).

Allele frequency attached by ClinVar (database versions not stated): 1000 Genomes Project 30x 0.00016.
gnomAD v4.1: 6 of 1,613,174 alleles (0.00037%); highest among the groups gnomAD compares: East Asian, 0.0067%; no homozygotes.

Submission:

Labcorp Genetics (formerly Invitae), Labcorp
Classification: Uncertain significance. Last evaluated: 2022-01-18. Review status: criteria provided, single submitter. Criteria: Invitae Variant Classification Sherloc (09022015). Collection method: clinical testing. Allele origin: germline.
Comment: This sequence change replaces leucine, which is neutral and non-polar, with isoleucine, which is neutral and non-polar, at codon 769 of the ADAMTSL4 protein (p.Leu769Ile). This variant is present in population databases (rs56228576, gnomAD 0.02%). This variant has not been reported in the literature in individuals affected with ADAMTSL4-related conditions. Algorithms developed to predict the effect of missense changes on protein structure and function are either unavailable or do not agree on the potential impact of this missense change (SIFT: "Deleterious"; PolyPhen-2: "Probably Damaging"; Align-GVGD: "Class C0"). In summary, the available evidence is currently insufficient to determine the role of this variant in disease. Therefore, it has been classified as a Variant of Uncertain Significance.

NM_019032.6(ADAMTSL4):c.2305C>A (p.Leu769Ile)

Gene: ADAMTSL4 (ADAMTS like 4; plus strand). Cytogenetic location: 1q21.2.
Variant type: single nucleotide variant.
Coding change: c.2305C>A on transcript NM_019032.6 (MANE Select); coding-DNA position 2305, C replaced by A.
Protein change: p.Leu769Ile; replaces leucine 769 with isoleucine.
Molecular consequence: missense variant.
Genome position (GRCh38, 1-based): chr1:150,558,072, C>A. VCF-style: chr1-150558072-C-A. GRCh37 (hg19) VCF-style: chr1-150530548-C-A.
Other names: c.2188C>A, p.Leu730Ile (NM_001288607.2); c.2374C>A, p.Leu792Ile (NM_001288608.2); c.2305C>A, p.Leu769Ile (NM_001378596.1, NM_025008.5); short protein forms L730I, L769I, L792I.
Identifiers: ClinVar variation 1499328 (VCV001499328.3), dbSNP rs56228576, ClinGen allele CA1078619.
Genomic context (GRCh38, chr1:150,558,072, plus strand): 5'-CAGTGCCGGCAGGAATTTGGGGGGGGTGGCTCCTCGGTGCCCCCGGAGCGCTGTGGACAT[C>A]TCCCCCGGCCCAACATCACCCAGTCTTGCCAGCTGCGCCTCTGTGGCCATTGGGAAGTTG-3'
Protein context (NP_061905.2, residues 759-779): SSVPPERCGH[Leu769Ile]PRPNITQSCQ